The following is an entry in ClinVar:

ClinVar aggregate classification (germline): Pathogenic (1 of 4 stars; one submission).

Conditions:
Familial adenomatous polyposis 2. Also called: MUTYH-associated polyposis; Adenomas, multiple colorectal; COLORECTAL ADENOMATOUS POLYPOSIS, AUTOSOMAL RECESSIVE; ADENOMAS, MULTIPLE COLORECTAL, AUTOSOMAL RECESSIVE; MUTYH-related attenuated familial adenomatous polyposis; MYH-associated polyposis. Identifiers: Orphanet 220460, Orphanet 247798, MedGen C3272841, MONDO:0012041, OMIM 608456.

Submission:

Labcorp Genetics (formerly Invitae), Labcorp
Classification: Pathogenic for Familial adenomatous polyposis 2. Last evaluated: 2023-08-16. Review status: criteria provided, single submitter. Criteria: Invitae Variant Classification Sherloc (09022015). Collection method: clinical testing. Allele origin: germline.
Comment: For these reasons, this variant has been classified as Pathogenic. This variant disrupts a region of the MUTYH protein in which other variant(s) (p.Arg368Glnfs*164) have been determined to be pathogenic (PMID: 11092888, 11433026, 11864576, 16941501, 24953332, 26377631). This suggests that this is a clinically significant region of the protein, and that variants that disrupt it are likely to be disease-causing. This variant has not been reported in the literature in individuals affected with MUTYH-related conditions. This variant is not present in population databases (gnomAD no frequency). This sequence change creates a premature translational stop signal (p.Arg360Glnfs*172) in the MUTYH gene. While this is not anticipated to result in nonsense mediated decay, it is expected to disrupt the last 190 amino acid(s) of the MUTYH protein.

Literature cited by the submitters: PubMed 11092888; PubMed 11433026; PubMed 11864576; PubMed 16941501; PubMed 24953332; PubMed 26377631.

NM_001048174.2(MUTYH):c.993dup (p.Arg332fs)

Gene: MUTYH (mutY DNA glycosylase; minus strand). Cytogenetic location: 1p34.1.
Variant type: Duplication.
Coding change: c.993dup on transcript NM_001048174.2 (MANE Select); coding-DNA position 993, one base duplicated (C; older notation c.993dupC).
Protein change: p.Arg332fs; shifts the reading frame from arginine 332.
Molecular consequence: frameshift variant. On other transcripts: non-coding transcript variant (7).
Genome position (GRCh38, 1-based): chr1:45,331,770, G duplicated on the plus strand (C on the coding strand, the reverse complement: MUTYH is on the minus strand); the first of 4 consecutive G bases (chr1:45,331,770-45,331,773); duplicating any one gives the same sequence. VCF-style (leftmost placement, unchanged base first): chr1-45331769-T-TG. GRCh37 (hg19) VCF-style: chr1-45797441-T-TG.
Other names: c.993dup, p.Arg332fs (NM_001048171.2, NM_001048173.2, NM_001293195.2 and 6 more transcripts); c.996dup, p.Arg333fs (NM_001048172.2, NM_001407071.1, NM_001407078.1 and 1 more transcripts); c.1077dup, p.Arg360fs (NM_001128425.2); c.1038dup, p.Arg347fs (NM_001293190.2); c.1026dup, p.Arg343fs (NM_001293191.2, NM_001407069.1, NM_001407077.1); c.717dup, p.Arg240fs (NM_001293192.2, NM_001293196.2, NM_001407091.1); c.648dup, p.Arg217fs (NM_001350650.2, NM_001350651.2, NM_001407082.1); c.909dup, p.Arg304fs (NM_001407075.1); and 5 more; short protein forms R318fs, R319fs, R333fs, R339fs, R217fs, R343fs, R357fs, R360fs.
Identifiers: ClinVar variation 2752955 (VCV002752955.3), dbSNP rs2524010030, ClinGen allele CA2697552387.
Genomic context (GRCh38, chr1:45,331,769, plus strand): 5'-GCTGTTCCAGAACACAGGTGGCAGAGCTCTCCTCCCTGGGGGGCTTGCGGCTGGCCTTTC[T>TG]GGGGAAGTTGACCACTCCCAGGGTCTGGTCCCAGGGCTCCGAGGGAGGCAGGCACAGGTG-3'